The following is an entry in ClinVar:

ClinVar aggregate classification (germline): Pathogenic (1 of 4 stars; one submission).

Conditions:
Hereditary cancer-predisposing syndrome. Also called: Hereditary neoplastic syndrome; Neoplastic Syndromes, Hereditary; Tumor predisposition; Hereditary Cancer Syndrome. Identifiers: Orphanet 140162, MedGen C0027672, MeSH D009386, MONDO:0015356.

Submission:

Ambry Genetics
Classification: Pathogenic for Hereditary cancer-predisposing syndrome. Last evaluated: 2025-01-11. Review status: criteria provided, single submitter. Criteria: Ambry Variant Classification Scheme 2023. Collection method: clinical testing. Allele origin: germline.
Comment: The p.K1543* pathogenic mutation (also known as c.4627A>T), located in coding exon 10 of the BRCA2 gene, results from an A to T substitution at nucleotide position 4627. This changes the amino acid from a lysine to a stop codon within coding exon 10. This variant is considered to be rare based on population cohorts in the Genome Aggregation Database (gnomAD). This alteration is expected to result in loss of function by premature protein truncation or nonsense-mediated mRNA decay. As such, this alteration is interpreted as a disease-causing mutation.

NM_000059.4(BRCA2):c.4627A>T (p.Lys1543Ter)

Gene: BRCA2 (BRCA2 DNA repair associated; plus strand). Cytogenetic location: 13q13.1.
Variant type: single nucleotide variant.
Coding change: c.4627A>T on transcript NM_000059.4 (MANE Select); coding-DNA position 4627, A replaced by T.
Protein change: p.Lys1543Ter; replaces lysine 1543 with a stop codon.
Molecular consequence: nonsense. On other transcripts: non-coding transcript variant (1), intron variant (2).
Genome position (GRCh38, 1-based): chr13:32,338,982, A>T. VCF-style: chr13-32338982-A-T. GRCh37 (hg19) VCF-style: chr13-32913119-A-T.
Other names: c.4627A>T, p.Lys1543Ter (NM_001406719.1, NM_001406720.1, NM_001432077.1); c.1910-5576A>T (NM_001406721.1); c.425-5576A>T (NM_001406722.1); short protein forms K1543*.
Identifiers: ClinVar variation 3825431 (VCV003825431.1).